The following is an entry in ClinVar:

ClinVar aggregate classification (germline): Conflicting classifications of pathogenicity. Review status: criteria provided, conflicting classifications (1 of 4 stars). 2 submissions from 2 submitters: Likely pathogenic (1); Uncertain significance (1). Last evaluated 2026-09-04.

Conditions:
Bethlem myopathy 1A. Also called: Bethlem Muscular Dystrophy; Bethlem myopathy 1; MYOPATHY, BENIGN CONGENITAL, WITH CONTRACTURES. Identifiers: Orphanet 610, MedGen CN029274, MONDO:0024530, OMIM 158810.

Allele frequency attached by ClinVar (database versions not stated): TOPMed below 0.00001; gnomAD 0.00001; gnomAD exomes 0.00001.
gnomAD v4.1: 14 of 1,613,686 alleles (0.00087%); highest among the groups gnomAD compares: Non-Finnish European, 0.0012%; no homozygotes.

Submissions (2):

GeneDx
Classification: Likely pathogenic. Last evaluated: 2026-09-04. Review status: criteria provided, single submitter. Criteria: GeneDx Variant Classification Process June 2021. Collection method: clinical testing. Allele origin: germline.
Comment: Replaces the glycine in the canonical Gly-X-Y repeat of the triple helical domain and is expected to disrupt normal protein folding and function, which is an established mechanism of disease (HGMD); Not observed at significant frequency in large population cohorts (gnomAD); In silico analysis supports that this missense variant has a deleterious effect on protein structure/function; Has not been previously published as pathogenic or benign to our knowledge

Labcorp Genetics (formerly Invitae), Labcorp
Classification: Uncertain significance for Bethlem myopathy 1A. Last evaluated: 2025-04-09. Review status: criteria provided, single submitter. Criteria: Invitae Variant Classification Sherloc (09022015). Collection method: clinical testing. Allele origin: germline.
Comment: This sequence change replaces glycine, which is neutral and non-polar, with glutamic acid, which is acidic and polar, at codon 2347 of the COL6A3 protein (p.Gly2347Glu). This variant is present in population databases (no rsID available, gnomAD 0.002%). This variant has not been reported in the literature in individuals affected with COL6A3-related conditions. ClinVar contains an entry for this variant (Variation ID: 2428287). Invitae Evidence Modeling of protein sequence and biophysical properties (such as structural, functional, and spatial information, amino acid conservation, physicochemical variation, residue mobility, and thermodynamic stability) indicates that this missense variant is expected to disrupt COL6A3 protein function with a positive predictive value of 80%. This variant disrupts the triple helix domain of COL6A3. Glycine residues within the Gly-Xaa-Yaa repeats of the triple helix domain are required for the structure and stability of fibrillar collagens (PMID: 7695699, 8218237, 19344236). In COL6A3, missense variants at these glycine residues are significantly enriched in individuals with autosomal dominant disease (PMID: 15689448, 24038877) compared to the general population (ExAC). In summary, the available evidence is currently insufficient to determine the role of this variant in disease. Therefore, it has been classified as a Variant of Uncertain Significance.

Literature cited by the submitters: PubMed 7695699 (cited by Labcorp Genetics (formerly Invitae), Labcorp); PubMed 8218237 (cited by Labcorp Genetics (formerly Invitae), Labcorp); PubMed 19344236 (cited by Labcorp Genetics (formerly Invitae), Labcorp); PubMed 15689448 (cited by Labcorp Genetics (formerly Invitae), Labcorp); PubMed 24038877 (cited by Labcorp Genetics (formerly Invitae), Labcorp).

NM_004369.4(COL6A3):c.7040G>A (p.Gly2347Glu)

Gene: COL6A3 (collagen type VI alpha 3 chain; minus strand). Cytogenetic location: 2q37.3.
Variant type: single nucleotide variant.
Coding change: c.7040G>A on transcript NM_004369.4 (MANE Select); coding-DNA position 7040, G replaced by A.
Protein change: p.Gly2347Glu; replaces glycine 2347 with glutamic acid.
Molecular consequence: missense variant.
Genome position (GRCh38, 1-based): chr2:237,346,555, C>T on the plus strand (G>A on the coding strand, the complement: COL6A3 is on the minus strand). VCF-style: chr2-237346555-C-T. GRCh37 (hg19) VCF-style: chr2-238255198-C-T.
Other names: c.5219G>A, p.Gly1740Glu (NM_057166.5); c.6422G>A, p.Gly2141Glu (NM_057167.4); short protein forms G1740E, G2141E, G2347E.
Identifiers: ClinVar variation 2428287 (VCV002428287.7), dbSNP rs1413177521, ClinGen allele CA351206596.
Genomic context (GRCh38, chr2:237,346,555, plus strand): 5'-ATACTTACAGCTGGTCCTGGGTAGCCAGGGTCTCCCTTCTGTCCAACTATCCCTGGAGGT[C>T]CCGAATTTCCCTAGAGGGAGCAGAACAAACATTGTTCAACTGTGTCAGAAAGTGGAGAAT-3'
Protein context (NP_004360.2, residues 2337-2357): KGIRGRRGNS[Gly2347Glu]PPGIVGQKGD